The following is an entry in ClinVar:

NM_001106.4(ACVR2B):c.652A>T (p.Ile218Phe)

Gene: ACVR2B (activin A receptor type 2B; plus strand). Cytogenetic location: 3p22.2.
Variant type: single nucleotide variant.
Coding change: c.652A>T on transcript NM_001106.4 (MANE Select); coding-DNA position 652, A replaced by T.
Protein change: p.Ile218Phe; replaces isoleucine 218 with phenylalanine.
Molecular consequence: missense variant.
Genome position (GRCh38, 1-based): chr3:38,478,504, A>T. VCF-style: chr3-38478504-A-T. GRCh37 (hg19) VCF-style: chr3-38519995-A-T.
Other names: short protein forms I218F.
Identifiers: ClinVar variation 2079481 (VCV002079481.4), dbSNP rs1429244094, ClinGen allele CA352130739.
Genomic context (GRCh38, chr3:38,478,504, plus strand): 5'-CGGGGGCGCTTTGGCTGTGTCTGGAAGGCCCAGCTCATGAATGACTTTGTAGCTGTCAAG[A>T]TCTTCCCACTCCAGGTGAGTGTTTGAGGGGCTCCATCCAGGTCCTCTGCCTCCACTGTAG-3'
Protein context (NP_001097.2, residues 208-228): QLMNDFVAVK[Ile218Phe]FPLQDKQSWQ

ClinVar aggregate classification (germline): Uncertain significance (1 of 4 stars; one submission).

Conditions:
Heterotaxy, visceral, 4, autosomal (HTX4). Identifiers: Orphanet 450, MedGen C3151057, MONDO:0013403, OMIM 613751.

Allele frequency attached by ClinVar (database versions not stated): gnomAD exomes below 0.00001.

Submission:

Labcorp Genetics (formerly Invitae), Labcorp
Classification: Uncertain significance for Heterotaxy, visceral, 4, autosomal. Last evaluated: 2025-06-16. Review status: criteria provided, single submitter. Criteria: Invitae Variant Classification Sherloc (09022015). Collection method: clinical testing. Allele origin: germline.
Comment: This sequence change replaces isoleucine, which is neutral and non-polar, with phenylalanine, which is neutral and non-polar, at codon 218 of the ACVR2B protein (p.Ile218Phe). This variant is present in population databases (no rsID available, gnomAD 0.0009%). This variant has not been reported in the literature in individuals affected with ACVR2B-related conditions. ClinVar contains an entry for this variant (Variation ID: 2079481). Invitae Evidence Modeling of protein sequence and biophysical properties (such as structural, functional, and spatial information, amino acid conservation, physicochemical variation, residue mobility, and thermodynamic stability) indicates that this missense variant is expected to disrupt ACVR2B protein function with a positive predictive value of 95%. In summary, the available evidence is currently insufficient to determine the role of this variant in disease. Therefore, it has been classified as a Variant of Uncertain Significance.